The following is an entry in ClinVar:

ClinVar aggregate classification (germline): Uncertain significance. Review status: criteria provided, multiple submitters, no conflicts (2 of 4 stars). 3 submissions from 3 submitters: Uncertain significance (3). Last evaluated 2022-11-15.

Conditions:
Inborn genetic diseases. Identifiers: MedGen C0950123, MeSH D030342.
Muscular dystrophy-dystroglycanopathy (congenital with brain and eye anomalies), type a, 11 (MDDGA11). Also called: Muscular dystrophy-dystroglycanopathy (congenital with brain and eye anomalies, type A, 11; WALKER-WARBURG SYNDROME OR MUSCLE-EYE-BRAIN DISEASE, B3GALNT2-RELATED; Congenital muscular dystrophy-dystroglycanopathy with brain and eye anomalies, type A11. Identifiers: Orphanet 588, Orphanet 899, MedGen C3554638, MONDO:0014071, OMIM 615181.

Allele frequency attached by ClinVar (database versions not stated): gnomAD exomes 0.00002 and 0.00004; TOPMed 0.00002; ExAC 0.00004; gnomAD 0.00004.
gnomAD v4.1: 39 of 1,613,750 alleles (0.0024%); highest among the groups gnomAD compares: Non-Finnish European, 0.0027%; no homozygotes.

Submissions (3):

Labcorp Genetics (formerly Invitae), Labcorp
Classification: Uncertain significance for Muscular dystrophy-dystroglycanopathy (congenital with brain and eye anomalies), type a, 11. Last evaluated: 2022-11-15. Review status: criteria provided, single submitter. Criteria: Invitae Variant Classification Sherloc (09022015). Collection method: clinical testing. Allele origin: germline.
Comment: Advanced modeling of protein sequence and biophysical properties (such as structural, functional, and spatial information, amino acid conservation, physicochemical variation, residue mobility, and thermodynamic stability) performed at Invitae indicates that this missense variant is not expected to disrupt B3GALNT2 protein function. ClinVar contains an entry for this variant (Variation ID: 572218). This variant has not been reported in the literature in individuals affected with B3GALNT2-related conditions. This variant is present in population databases (rs781198538, gnomAD 0.006%). This sequence change replaces valine, which is neutral and non-polar, with methionine, which is neutral and non-polar, at codon 210 of the B3GALNT2 protein (p.Val210Met). In summary, the available evidence is currently insufficient to determine the role of this variant in disease. Therefore, it has been classified as a Variant of Uncertain Significance.

Ambry Genetics
Classification: Uncertain significance for Inborn genetic diseases. Last evaluated: 2022-11-03. Review status: criteria provided, single submitter. Criteria: Ambry Variant Classification Scheme 2023. Collection method: clinical testing. Allele origin: germline.

GeneDx
Classification: Uncertain significance. Last evaluated: 2021-04-20. Review status: criteria provided, single submitter. Criteria: GeneDx Variant Classification Process June 2021. Collection method: clinical testing. Allele origin: germline. Affected: yes.
Comment: Not observed at a significant frequency in large population cohorts (Lek et al., 2016); In silico analysis supports that this missense variant does not alter protein structure/function; Has not been previously published as pathogenic or benign to our knowledge

NM_152490.5(B3GALNT2):c.628G>A (p.Val210Met)

Gene: B3GALNT2 (beta-1,3-N-acetylgalactosaminyltransferase 2; minus strand). Cytogenetic location: 1q42.3.
Variant type: single nucleotide variant.
Coding change: c.628G>A on transcript NM_152490.5 (MANE Select); coding-DNA position 628, G replaced by A.
Protein change: p.Val210Met; replaces valine 210 with methionine.
Molecular consequence: missense variant.
Genome position (GRCh38, 1-based): chr1:235,480,077, C>T on the plus strand (G>A on the coding strand, the complement: B3GALNT2 is on the minus strand). VCF-style: chr1-235480077-C-T. GRCh37 (hg19) VCF-style: chr1-235643393-C-T.
Other names: c.751G>A, p.Val251Met (NM_001277155.3); short protein forms V210M, V251M.
Identifiers: ClinVar variation 572218 (VCV000572218.6), dbSNP rs781198538, ClinGen allele CA1464863.